The following is an entry in ClinVar:

NM_000051.4(ATM):c.2476A>G (p.Ile826Val)

Gene: ATM (ATM serine/threonine kinase; plus strand). Cytogenetic location: 11q22.3.
Variant type: single nucleotide variant.
Coding change: c.2476A>G on transcript NM_000051.4 (MANE Select); coding-DNA position 2476, A replaced by G.
Protein change: p.Ile826Val; replaces isoleucine 826 with valine.
Molecular consequence: missense variant.
Genome position (GRCh38, 1-based): chr11:108,267,180, A>G. VCF-style: chr11-108267180-A-G. GRCh37 (hg19) VCF-style: chr11-108137907-A-G.
Other names: c.2476A>G, p.Ile826Val (NM_001351834.2); short protein forms I826V.
Identifiers: ClinVar variation 1359332 (VCV001359332.8), dbSNP rs587782397, ClinGen allele CA382543162.

ClinVar aggregate classification (germline): Uncertain significance. Review status: criteria provided, multiple submitters, no conflicts (2 of 4 stars). 3 submissions from 3 submitters: Uncertain significance (3). Last evaluated 2024-01-12.

Conditions:
Hereditary cancer-predisposing syndrome. Also called: Hereditary Cancer Syndrome; Hereditary neoplastic syndrome; Tumor predisposition; Neoplastic Syndromes, Hereditary. Identifiers: Orphanet 140162, MedGen C0027672, MeSH D009386, MONDO:0015356.
Ataxia-telangiectasia syndrome (AT). Also called: ATAXIA-TELANGIECTASIA, COMPLEMENTATION GROUP A; ATAXIA-TELANGIECTASIA, FRESNO VARIANT; Ataxia-telangiectasia; Ataxia-telangiectasia, complementation group D; Ataxia-telangiectasia, complementation group E; Ataxia telangiectasia (A-T). Identifiers: Orphanet 100, MedGen C0004135, MONDO:0008840, OMIM 208900.

Submissions (3):

Ambry Genetics
Classification: Uncertain significance for Hereditary cancer-predisposing syndrome. Last evaluated: 2024-01-12. Review status: criteria provided, single submitter. Criteria: Ambry Variant Classification Scheme 2023. Collection method: clinical testing. Allele origin: germline.
Comment: The p.I826V variant (also known as c.2476A>G), located in coding exon 16 of the ATM gene, results from an A to G substitution at nucleotide position 2476. The isoleucine at codon 826 is replaced by valine, an amino acid with highly similar properties. This amino acid position is not well conserved in available vertebrate species. In addition, this alteration is predicted to be tolerated by in silico analysis. Since supporting evidence is limited at this time, the clinical significance of this alteration remains unclear.

Mendelics
Classification: Uncertain significance. Last evaluated: 2022-05-04. Review status: criteria provided, single submitter. Criteria: Mendelics Assertion Criteria 2019. Collection method: clinical testing. Allele origin: germline.

Labcorp Genetics (formerly Invitae), Labcorp
Classification: Uncertain significance for Ataxia-telangiectasia syndrome. Last evaluated: 2021-08-14. Review status: criteria provided, single submitter. Criteria: Invitae Variant Classification Sherloc (09022015). Collection method: clinical testing. Allele origin: germline.
Comment: This sequence change replaces isoleucine with valine at codon 826 of the ATM protein (p.Ile826Val). The isoleucine residue is weakly conserved and there is a small physicochemical difference between isoleucine and valine. This variant is not present in population databases (ExAC no frequency). This variant has not been reported in the literature in individuals affected with ATM-related conditions. Advanced modeling of protein sequence and biophysical properties (such as structural, functional, and spatial information, amino acid conservation, physicochemical variation, residue mobility, and thermodynamic stability) performed at Invitae indicates that this missense variant is not expected to disrupt ATM protein function. In summary, the available evidence is currently insufficient to determine the role of this variant in disease. Therefore, it has been classified as a Variant of Uncertain Significance.